The following is an entry in ClinVar:

ClinVar aggregate classification (germline): Pathogenic (1 of 4 stars; one submission).

Conditions:
Hereditary breast ovarian cancer syndrome. Also called: BRCA1- and BRCA2-Associated Hereditary Breast and Ovarian Cancer; Hereditary breast and/or ovarian cancer syndrome; Hereditary breast and ovarian cancer syndrome; Hereditary breast and ovarian cancer syndrome (HBOC); Breast and ovarian cancer; Hereditary breast and ovarian cancer. Identifiers: Orphanet 145, MedGen C0677776, MeSH D061325, MONDO:0003582. Disease mechanism: loss of function.

Submission:

Labcorp Genetics (formerly Invitae), Labcorp
Classification: Pathogenic for Hereditary breast ovarian cancer syndrome. Last evaluated: 2024-02-01. Review status: criteria provided, single submitter. Criteria: Invitae Variant Classification Sherloc (09022015). Collection method: clinical testing. Allele origin: germline.
Comment: This sequence change creates a premature translational stop signal (p.Leu429*) in the BRCA2 gene. It is expected to result in an absent or disrupted protein product. Loss-of-function variants in BRCA2 are known to be pathogenic (PMID: 20104584). This variant is not present in population databases (gnomAD no frequency). This premature translational stop signal has been observed in individual(s) with breast cancer (PMID: 28802053). For these reasons, this variant has been classified as Pathogenic.

Literature cited by the submitters: PubMed 20104584; PubMed 28802053.

NM_000059.4(BRCA2):c.1286T>A (p.Leu429Ter)

Gene: BRCA2 (BRCA2 DNA repair associated; plus strand). Cytogenetic location: 13q13.1.
Variant type: single nucleotide variant.
Coding change: c.1286T>A on transcript NM_000059.4 (MANE Select); coding-DNA position 1286, T replaced by A.
Protein change: p.Leu429Ter; replaces leucine 429 with a stop codon.
Molecular consequence: nonsense. On other transcripts: non-coding transcript variant (1), intron variant (1).
Genome position (GRCh38, 1-based): chr13:32,332,764, T>A. VCF-style: chr13-32332764-T-A. GRCh37 (hg19) VCF-style: chr13-32906901-T-A.
Other names: c.1286T>A, p.Leu429Ter (NM_001406719.1, NM_001406720.1, NM_001406721.1 and 1 more transcripts); c.424+1734T>A (NM_001406722.1); short protein forms L429*.
Identifiers: ClinVar variation 3638054 (VCV003638054.2).